The following is an entry in ClinVar:

ClinVar aggregate classification (germline): Conflicting classifications of pathogenicity. Review status: criteria provided, conflicting classifications (1 of 4 stars). 3 submissions from 3 submitters: Likely pathogenic (1); Uncertain significance (2). Last evaluated 2023-05-19.

Conditions:
PRPF31-related disorder. Also called: PRPF31-related condition.

Submissions (3):

Labcorp Genetics (formerly Invitae), Labcorp
Classification: Uncertain significance. Last evaluated: 2023-05-19. Review status: criteria provided, single submitter. Criteria: Invitae Variant Classification Sherloc (09022015). Collection method: clinical testing. Allele origin: germline.
Comment: In summary, the available evidence is currently insufficient to determine the role of this variant in disease. Therefore, it has been classified as a Variant of Uncertain Significance. An algorithm developed to predict the effect of missense changes on protein structure and function (PolyPhen-2) suggests that this variant is likely to be disruptive. ClinVar contains an entry for this variant (Variation ID: 449507). This missense change has been observed in individual(s) with retinitis pigmentosa (PMID: 24664689). This variant is not present in population databases (gnomAD no frequency). This sequence change replaces glycine, which is neutral and non-polar, with valine, which is neutral and non-polar, at codon 272 of the PRPF31 protein (p.Gly272Val).

Blueprint Genetics
Classification: Likely pathogenic for PRPF31-related disorders. Last evaluated: 2022-03-25. Review status: criteria provided, single submitter. Criteria: ACMG Guidelines, 2015. Collection method: clinical testing. Allele origin: germline. Affected: yes. Observed: 2 variant alleles.

GeneDx
Classification: Uncertain significance. Last evaluated: 2017-09-22. Review status: criteria provided, single submitter. Criteria: GeneDx Variant Classification (06012015). Collection method: clinical testing. Allele origin: germline. Affected: yes.
Comment: The G272V variant in the PRPF31 gene has been reported previously in two unrelated individuals with autosomal dominant retinitis pigmentosa (Sullivan et al., 2006; Daiger et al., 2014). However, in one patient, G272V reportedly did not cosegregate with retinal disease in the family (Sullivan et al., 2006). This variant is not observed in large population cohorts (Lek et al., 2016). The G272V variant is a conservative amino acid substitution, which is not likely to impact secondary protein structure as these residues share similar properties. However, this substitution occurs at a position that is conserved across species, and in silico analysis predicts this variant is probably damaging to the protein structure/function. We interpret G272V as a variant of uncertain significance.

Literature cited by the submitters: PubMed 24664689 (cited by Labcorp Genetics (formerly Invitae), Labcorp).

NM_015629.4(PRPF31):c.815G>T (p.Gly272Val)

Gene: PRPF31 (pre-mRNA processing factor 31; plus strand). Cytogenetic location: 19q13.42.
Variant type: single nucleotide variant.
Coding change: c.815G>T on transcript NM_015629.4 (MANE Select); coding-DNA position 815, G replaced by T.
Protein change: p.Gly272Val; replaces glycine 272 with valine.
Molecular consequence: missense variant.
Genome position (GRCh38, 1-based): chr19:54,124,616, G>T. VCF-style: chr19-54124616-G-T. GRCh37 (hg19) VCF-style: chr19-54627995-G-T.
Other names: short protein forms G272V.
Identifiers: ClinVar variation 449507 (VCV000449507.9), dbSNP rs1555793203, ClinGen allele CA407751352.